The following is an entry in ClinVar:

ClinVar aggregate classification (germline): Uncertain significance. Review status: criteria provided, multiple submitters, no conflicts (2 of 4 stars). 5 submissions from 5 submitters: Uncertain significance (5). Last evaluated 2025-07-21.

Conditions:
Familial thoracic aortic aneurysm and aortic dissection (TAAD). Also called: Thoracic aortic aneurysms and dissections. Identifiers: Orphanet 91387, MedGen C4707243, MONDO:0019625.
Aortic aneurysm, familial thoracic 7 (AAT7). Also called: AORTIC DISSECTION, FAMILIAL, WITH OR WITHOUT AORTIC ANEURYSM. Identifiers: MedGen C3151077, MONDO:0013418, OMIM 613780.

Allele frequency attached by ClinVar (database versions not stated): gnomAD exomes below 0.00001; gnomAD 0.00001 and 0.00002; TOPMed 0.00001.
gnomAD v4.1: 5 of 1,603,696 alleles (0.00031%); highest among the groups gnomAD compares: Non-Finnish European, 0.00026%; no homozygotes.

Submissions (5):

Women's Health and Genetics/Laboratory Corporation of America, LabCorp
Classification: Uncertain significance. Last evaluated: 2025-07-21. Review status: criteria provided, single submitter. Criteria: LabCorp Variant Classification Summary - May 2015. Collection method: clinical testing. Allele origin: germline.

Labcorp Genetics (formerly Invitae), Labcorp
Classification: Uncertain significance for Aortic aneurysm, familial thoracic 7. Last evaluated: 2025-06-10. Review status: criteria provided, single submitter. Criteria: Invitae Variant Classification Sherloc (09022015). Collection method: clinical testing. Allele origin: germline.
Comment: This sequence change replaces arginine, which is basic and polar, with serine, which is neutral and polar, at codon 1205 of the MYLK protein (p.Arg1205Ser). This variant is present in population databases (no rsID available, gnomAD no frequency). This missense change has been observed in individual(s) with clinical features of thoracic aortic aneurysm and dissection (internal data). ClinVar contains an entry for this variant (Variation ID: 618741). Invitae Evidence Modeling of protein sequence and biophysical properties (such as structural, functional, and spatial information, amino acid conservation, physicochemical variation, residue mobility, and thermodynamic stability) indicates that this missense variant is not expected to disrupt MYLK protein function with a negative predictive value of 80%. In summary, the available evidence is currently insufficient to determine the role of this variant in disease. Therefore, it has been classified as a Variant of Uncertain Significance.

GeneDx
Classification: Uncertain significance. Last evaluated: 2024-11-04. Review status: criteria provided, single submitter. Criteria: GeneDx Variant Classification Process June 2021. Collection method: clinical testing. Allele origin: germline. Affected: yes.
Comment: Not observed at significant frequency in large population cohorts (gnomAD); In silico analysis indicates that this missense variant does not alter protein structure/function; Has not been previously published as pathogenic or benign to our knowledge

Ambry Genetics
Classification: Uncertain significance for Familial thoracic aortic aneurysm and aortic dissection. Last evaluated: 2024-07-17. Review status: criteria provided, single submitter. Criteria: Ambry Variant Classification Scheme 2023. Collection method: clinical testing. Allele origin: germline.
Comment: The p.R1205S variant (also known as c.3615G>T), located in coding exon 17 of the MYLK gene, results from a G to T substitution at nucleotide position 3615. The arginine at codon 1205 is replaced by serine, an amino acid with dissimilar properties. This amino acid position is highly conserved in available vertebrate species. In addition, this alteration is predicted to be tolerated by in silico analysis. Based on the available evidence, the clinical significance of this variant remains unclear.

ARUP Laboratories, Molecular Genetics and Genomics, ARUP Laboratories
Classification: Uncertain significance. Last evaluated: 2017-11-13. Review status: criteria provided, single submitter. Criteria: ARUP Molecular Germline Variant Investigation Process. Collection method: clinical testing. Allele origin: germline.

NM_053025.4(MYLK):c.3615G>T (p.Arg1205Ser)

Gene: MYLK (myosin light chain kinase; minus strand). Cytogenetic location: 3q21.1.
Variant type: single nucleotide variant.
Coding change: c.3615G>T on transcript NM_053025.4 (MANE Select); coding-DNA position 3615, G replaced by T.
Protein change: p.Arg1205Ser; replaces arginine 1205 with serine.
Molecular consequence: missense variant.
Genome position (GRCh38, 1-based): chr3:123,682,261, C>A on the plus strand (G>T on the coding strand, the complement: MYLK is on the minus strand). VCF-style: chr3-123682261-C-A. GRCh37 (hg19) VCF-style: chr3-123401108-C-A.
Other names: c.3087G>T, p.Arg1029Ser (NM_001321309.2); c.3408G>T, p.Arg1136Ser (NM_053026.4, NM_053028.4); c.3615G>T, p.Arg1205Ser (NM_053027.4); short protein forms R1205S, R1136S, R1029S.
Identifiers: ClinVar variation 618741 (VCV000618741.16), dbSNP rs1026157995, ClinGen allele CA82936197.
Genomic context (GRCh38, chr3:123,682,261, plus strand): 5'-GGTGAAGCTGGGCGAGTACTCACTCTCAGTTCCTAGCACGGGAGGAAGAGAGCTCTTGGG[C>A]CTCCGGGATTTCATCTCTGGGGCCTTGGTGTTCTCACTGGCTGGAGCATCTGGAATGAAA-3'
Protein context (NP_444253.3, residues 1195-1215): NTKAPEMKSR[Arg1205Ser]PKSSLPPVLG